The following is an entry in ClinVar:

ClinVar aggregate classification (germline): Conflicting classifications of pathogenicity. Review status: criteria provided, conflicting classifications (1 of 4 stars). 2 submissions from 2 submitters: Uncertain significance (1); Benign (1). Last evaluated 2025-02-07.

Allele frequency attached by ClinVar (database versions not stated): gnomAD 0.00001; TOPMed 0.00005; gnomAD exomes 0.00010; ExAC 0.00012; 1000 Genomes Project 30x 0.00016; 1000 Genomes Project 0.00020.
gnomAD v4.1: 60 of 1,602,068 alleles (0.0037%); highest among the groups gnomAD compares: Middle Eastern, 0.083%; no homozygotes.

Submissions (2):

Labcorp Genetics (formerly Invitae), Labcorp
Classification: Uncertain significance. Last evaluated: 2025-02-07. Review status: criteria provided, single submitter. Criteria: Invitae Variant Classification Sherloc (09022015). Collection method: clinical testing. Allele origin: germline.
Comment: This sequence change replaces glycine, which is neutral and non-polar, with arginine, which is basic and polar, at codon 653 of the ASXL1 protein (p.Gly653Arg). This variant is present in population databases (rs537734228, gnomAD 0.06%), and has an allele count higher than expected for a pathogenic variant. This variant has not been reported in the literature in individuals affected with ASXL1-related conditions. ClinVar contains an entry for this variant (Variation ID: 1175529). An algorithm developed to predict the effect of missense changes on protein structure and function outputs the following: PolyPhen-2: "Benign". The arginine amino acid residue is found in multiple mammalian species, which suggests that this missense change does not adversely affect protein function. In summary, the available evidence is currently insufficient to determine the role of this variant in disease. Therefore, it has been classified as a Variant of Uncertain Significance.

GeneDx
Classification: Benign. Last evaluated: 2020-11-09. Review status: criteria provided, single submitter. Criteria: GeneDx Variant Classification Process June 2021. Collection method: clinical testing. Allele origin: germline. Affected: yes.

NM_015338.6(ASXL1):c.1957G>A (p.Gly653Arg)

Gene: ASXL1 (ASXL transcriptional regulator 1; plus strand). Cytogenetic location: 20q11.21.
Variant type: single nucleotide variant.
Coding change: c.1957G>A on transcript NM_015338.6 (MANE Select); coding-DNA position 1957, G replaced by A.
Protein change: p.Gly653Arg; replaces glycine 653 with arginine.
Molecular consequence: missense variant.
Genome position (GRCh38, 1-based): chr20:32,434,669, G>A. VCF-style: chr20-32434669-G-A. GRCh37 (hg19) VCF-style: chr20-31022472-G-A.
Other names: c.1774G>A, p.Gly592Arg (NM_001363734.1); short protein forms G592R, G653R.
Identifiers: ClinVar variation 1175529 (VCV001175529.10), dbSNP rs537734228, ClinGen allele CA9808511.
Genomic context (GRCh38, chr20:32,434,669, plus strand): 5'-CATAGAGAGGCGGCCACCACTGCCATCGGAGGGGGGGGTGGCCCGGGTGGAGGTGGCGGC[G>A]GGGCCACCGATGAGGGAGGTGGCAGAGGCAGCAGCAGTGGTGATGGTGGTGAGGCCTGTG-3'
Protein context (NP_056153.2, residues 643-663): GGGGPGGGGG[Gly653Arg]ATDEGGGRGS